The following is an entry in ClinVar:

ClinVar aggregate classification (germline): Uncertain significance (1 of 4 stars; one submission).

Conditions:
Spastic ataxia 2. Also called: Ataxia, spastic, 2, autosomal recessive. Identifiers: Orphanet 397946, MedGen C1969796, MONDO:0012651, OMIM 611302.

Allele frequency attached by ClinVar (database versions not stated): gnomAD exomes below 0.00001; ExAC 0.00001.
gnomAD v4.1: 1 of 1,614,114 alleles (0.000062%); highest among the groups gnomAD compares: Admixed American, 0.0017%; no homozygotes.

Submission:

Labcorp Genetics (formerly Invitae), Labcorp
Classification: Uncertain significance for Spastic ataxia 2. Last evaluated: 2022-11-01. Review status: criteria provided, single submitter. Criteria: Invitae Variant Classification Sherloc (09022015). Collection method: clinical testing. Allele origin: germline.
Comment: Advanced modeling of protein sequence and biophysical properties (such as structural, functional, and spatial information, amino acid conservation, physicochemical variation, residue mobility, and thermodynamic stability) performed at Invitae indicates that this missense variant is not expected to disrupt KIF1C protein function. This variant has not been reported in the literature in individuals affected with KIF1C-related conditions. The frequency data for this variant in the population databases is considered unreliable, as metrics indicate poor data quality at this position in the gnomAD database. This sequence change replaces serine, which is neutral and polar, with glycine, which is neutral and non-polar, at codon 337 of the KIF1C protein (p.Ser337Gly). In summary, the available evidence is currently insufficient to determine the role of this variant in disease. Therefore, it has been classified as a Variant of Uncertain Significance.

NM_006612.6(KIF1C):c.1009A>G (p.Ser337Gly)

Gene: KIF1C (kinesin family member 1C; plus strand). Cytogenetic location: 17p13.2.
Variant type: single nucleotide variant.
Coding change: c.1009A>G on transcript NM_006612.6 (MANE Select); coding-DNA position 1009, A replaced by G.
Protein change: p.Ser337Gly; replaces serine 337 with glycine.
Molecular consequence: missense variant.
Genome position (GRCh38, 1-based): chr17:5,004,635, A>G. VCF-style: chr17-5004635-A-G. GRCh37 (hg19) VCF-style: chr17-4907930-A-G.
Other names: short protein forms S337G.
Identifiers: ClinVar variation 1959058 (VCV001959058.5), dbSNP rs756706873, ClinGen allele CA8318829.
Genomic context (GRCh38, chr17:5,004,635, plus strand): 5'-TCACGCACAGCCATGATTGCAGCCCTGAGCCCTGCTGACATCAATTACGAGGAGACTCTC[A>G]GCACCCTCAGGTGAGGCTTTTGGCTCTAGCAGGGATGGGGCAGCATAGGAAGAGTGCCAG-3'
Protein context (NP_006603.2, residues 327-347): PADINYEETL[Ser337Gly]TLRYADRTKQ